The following is an entry in ClinVar:

NM_001048174.2(MUTYH):c.1298A>T (p.Glu433Val)

Gene: MUTYH (mutY DNA glycosylase; minus strand). Cytogenetic location: 1p34.1.
Variant type: single nucleotide variant.
Coding change: c.1298A>T on transcript NM_001048174.2 (MANE Select); coding-DNA position 1298, A replaced by T.
Protein change: p.Glu433Val; replaces glutamic acid 433 with valine.
Molecular consequence: missense variant. On other transcripts: non-coding transcript variant (7).
Genome position (GRCh38, 1-based): chr1:45,331,276, T>A on the plus strand (A>T on the coding strand, the complement: MUTYH is on the minus strand). VCF-style: chr1-45331276-T-A. GRCh37 (hg19) VCF-style: chr1-45796948-T-A.
Other names: c.1298A>T, p.Glu433Val (NM_001048171.2, NM_001048173.2, NM_001293195.2 and 6 more transcripts); c.1301A>T, p.Glu434Val (NM_001048172.2, NM_001407071.1, NM_001407078.1 and 1 more transcripts); c.1382A>T, p.Glu461Val (NM_001128425.2); c.1343A>T, p.Glu448Val (NM_001293190.2); c.1022A>T, p.Glu341Val (NM_001293192.2, NM_001293196.2, NM_001407091.1); c.1331A>T, p.Glu444Val (NM_001293191.2, NM_001407069.1, NM_001407077.1); c.953A>T, p.Glu318Val (NM_001350650.2, NM_001350651.2, NM_001407082.1); c.1214A>T, p.Glu405Val (NM_001407075.1); and 5 more; short protein forms E405V, E419V, E444V, E461V, E420V, E433V, E434V, E447V.
Identifiers: ClinVar variation 4113204 (VCV004113204.1).
Genomic context (GRCh38, chr1:45,331,276, plus strand): 5'-AATTCCTCCTGCGTCAGCCAGCGAGCACCTGGTGGTACGGTGGTCACTGGGGTCTGCCCT[T>A]CCAAGGCCAGCCCATATACTTGATATGTCAGCTTGATGTGAGAGAAGGTGTGGACAACCT-3'
Protein context (NP_001041639.1, residues 423-443): LTYQVYGLAL[Glu433Val]GQTPVTTVPP

ClinVar aggregate classification (germline): Uncertain significance (1 of 4 stars; one submission).

Conditions:
Hereditary cancer-predisposing syndrome. Also called: Tumor predisposition; Neoplastic Syndromes, Hereditary; Hereditary neoplastic syndrome; Hereditary Cancer Syndrome. Identifiers: Orphanet 140162, MedGen C0027672, MeSH D009386, MONDO:0015356.

Submission:

Ambry Genetics
Classification: Uncertain significance for Hereditary cancer-predisposing syndrome. Last evaluated: 2025-08-27. Review status: criteria provided, single submitter. Criteria: Ambry Variant Classification Scheme 2023. Collection method: clinical testing. Allele origin: germline.
Comment: The p.E461V variant (also known as c.1382A>T), located in coding exon 14 of the MUTYH gene, results from an A to T substitution at nucleotide position 1382. The glutamic acid at codon 461 is replaced by valine, an amino acid with dissimilar properties. This amino acid position is conserved. In addition, the in silico prediction for this alteration is inconclusive. Based on the available evidence, the clinical significance of this variant remains unclear.